The following is an entry in ClinVar:

ClinVar aggregate classification (germline): Uncertain significance. Review status: criteria provided, multiple submitters, no conflicts (2 of 4 stars). 4 submissions from 4 submitters: Uncertain significance (4). Last evaluated 2025-12-03.

Conditions:
Familial adenomatous polyposis 1 (FAP1). Also called: POLYPOSIS, ADENOMATOUS INTESTINAL; FAMILIAL ADENOMATOUS POLYPOSIS 1, ATTENUATED. Identifiers: MedGen C2713442, MONDO:0021056, OMIM 175100. Disease mechanism: loss of function.
Hereditary cancer-predisposing syndrome. Also called: Neoplastic Syndromes, Hereditary; Hereditary Cancer Syndrome; Tumor predisposition; Hereditary neoplastic syndrome. Identifiers: Orphanet 140162, MedGen C0027672, MeSH D009386, MONDO:0015356.

Allele frequency attached by ClinVar (database versions not stated): gnomAD exomes below 0.00001 and 0.00001; TOPMed 0.00001.
gnomAD v4.1: 7 of 1,614,080 alleles (0.00043%); highest among the groups gnomAD compares: East Asian, 0.0045%; no homozygotes.

Submissions (4):

Labcorp Genetics (formerly Invitae), Labcorp
Classification: Uncertain significance for Familial adenomatous polyposis 1. Last evaluated: 2025-12-03. Review status: criteria provided, single submitter. Criteria: Invitae Variant Classification Sherloc (09022015). Collection method: clinical testing. Allele origin: germline.
Comment: This sequence change replaces methionine, which is neutral and non-polar, with threonine, which is neutral and polar, at codon 431 of the APC protein (p.Met431Thr). This variant is present in population databases (no rsID available, gnomAD 0.006%). This variant has not been reported in the literature in individuals affected with APC-related conditions. ClinVar contains an entry for this variant (Variation ID: 573849). Invitae Evidence Modeling of protein sequence and biophysical properties (such as structural, functional, and spatial information, amino acid conservation, physicochemical variation, residue mobility, and thermodynamic stability) indicates that this missense variant is not expected to disrupt APC protein function with a negative predictive value of 95%. In summary, the available evidence is currently insufficient to determine the role of this variant in disease. Therefore, it has been classified as a Variant of Uncertain Significance.

Color Diagnostics, LLC DBA Color Health
Classification: Uncertain significance for Hereditary cancer-predisposing syndrome. Last evaluated: 2025-07-14. Review status: criteria provided, single submitter. Criteria: ACMG Guidelines, 2015. Collection method: clinical testing. Allele origin: germline.
Comment: This missense variant replaces methionine with threonine at codon 431 of the APC protein. Computational prediction suggests that this variant may not impact protein structure and function. To our knowledge, functional studies have not been reported for this variant. This variant has not been reported in individuals affected with APC-related disorders in the literature. This variant has been identified in 3/250774 chromosomes in the general population by the Genome Aggregation Database (gnomAD). The available evidence is insufficient to determine the role of this variant in disease conclusively. Therefore, this variant is classified as a Variant of Uncertain Significance.

Ambry Genetics
Classification: Uncertain significance for Hereditary cancer-predisposing syndrome. Last evaluated: 2024-07-13. Review status: criteria provided, single submitter. Criteria: Ambry Variant Classification Scheme 2023. Collection method: clinical testing. Allele origin: germline.
Comment: The p.M431T variant (also known as c.1292T>C), located in coding exon 9 of the APC gene, results from a T to C substitution at nucleotide position 1292. The methionine at codon 431 is replaced by threonine, an amino acid with similar properties. This amino acid position is well conserved in available vertebrate species. In addition, in silico predictors for this gene do not accurately predict pathogenicity. Since supporting evidence is limited at this time, the clinical significance of this alteration remains unclear.

Quest Diagnostics Nichols Institute San Juan Capistrano
Classification: Uncertain significance. Last evaluated: 2021-04-16. Review status: criteria provided, single submitter. Criteria: Quest Diagnostics criteria. Collection method: clinical testing. Allele origin: unknown.

NM_000038.6(APC):c.1292T>C (p.Met431Thr)

Gene: APC (APC regulator of Wnt signaling pathway; plus strand). Cytogenetic location: 5q22.2.
Variant type: single nucleotide variant.
Coding change: c.1292T>C on transcript NM_000038.6 (MANE Select); coding-DNA position 1292, T replaced by C.
Protein change: p.Met431Thr; replaces methionine 431 with threonine.
Molecular consequence: missense variant.
Genome position (GRCh38, 1-based): chr5:112,819,324, T>C. VCF-style: chr5-112819324-T-C. GRCh37 (hg19) VCF-style: chr5-112155021-T-C.
Other names: c.812T>C, p.Met271Thr (NM_001354905.2); c.443T>C, p.Met148Thr (NM_001354906.2); c.1292T>C, p.Met431Thr (NM_001127510.3, NM_001354895.2, NM_001354896.2); c.1238T>C, p.Met413Thr (NM_001127511.3); c.1322T>C, p.Met441Thr (NM_001354897.2); c.1217T>C, p.Met406Thr (NM_001354898.2); c.1208T>C, p.Met403Thr (NM_001354899.2); c.1115T>C, p.Met372Thr (NM_001354900.2, NM_001354901.2); and 3 more; short protein forms M431T, M413T, M305T, M403T, M148T, M406T, M340T, M372T.
Identifiers: ClinVar variation 573849 (VCV000573849.21), dbSNP rs1034113927, ClinGen allele CA16024134.
Genomic context (GRCh38, chr5:112,819,324, plus strand): 5'-AACAGATACGCGCTTACTGTGAAACCTGTTGGGAGTGGCAGGAAGCTCATGAACCAGGCA[T>C]GGACCAGGACAAAAATCCAAGTATGTTCTCTATAGTGTACATCGTAGTGCATGTTTCAAA-3'
Protein context (NP_000029.2, residues 421-441): WEWQEAHEPG[Met431Thr]DQDKNPMPAP